The following is an entry in ClinVar:

ClinVar aggregate classification (germline): Uncertain significance (1 of 4 stars; one submission).

Conditions:
Inborn genetic diseases. Identifiers: MedGen C0950123, MeSH D030342.

Submission:

Ambry Genetics
Classification: Uncertain significance for Inborn genetic diseases. Last evaluated: 2025-12-16. Review status: criteria provided, single submitter. Criteria: Ambry Variant Classification Scheme 2023. Collection method: clinical testing. Allele origin: germline.
Comment: The p.C254R variant (also known as c.760T>C), located in coding exon 2 of the SH2B3 gene, results from a T to C substitution at nucleotide position 760. The cysteine at codon 254 is replaced by arginine, an amino acid with highly dissimilar properties. This amino acid position is conserved. In addition, this alteration is predicted to be deleterious by in silico analysis. Based on the available evidence, the clinical significance of this variant remains unclear.

NM_005475.3(SH2B3):c.760T>C (p.Cys254Arg)

Gene: SH2B3 (SH2B adaptor protein 3; plus strand). Cytogenetic location: 12q24.12.
Variant type: single nucleotide variant.
Coding change: c.760T>C on transcript NM_005475.3 (MANE Select); coding-DNA position 760, T replaced by C.
Protein change: p.Cys254Arg; replaces cysteine 254 with arginine.
Molecular consequence: missense variant.
Genome position (GRCh38, 1-based): chr12:111,446,780, T>C. VCF-style: chr12-111446780-T-C. GRCh37 (hg19) VCF-style: chr12-111884584-T-C.
Other names: c.154T>C, p.Cys52Arg (NM_001291424.1); short protein forms C254R, C52R.
Identifiers: ClinVar variation 4842811 (VCV004842811.1).
Genomic context (GRCh38, chr12:111,446,780, plus strand): 5'-ACAAGCCTTGAGTACCCCAACTTGGTCTCGTAGAGTTCAAGGCCCAAGCTACAAGCAGCT[T>C]GCTCCAGCATCCAGGAGGTCCGGTGGTGCACACGGCTTGAGATGCCTGACAACCTTTACA-3'
Protein context (NP_005466.1, residues 244-264): KSSRPKLQAA[Cys254Arg]SSIQEVRWCT